The following is an entry in ClinVar:

ClinVar aggregate classification (germline): Likely benign (1 of 4 stars; one submission).

gnomAD v4.1: 1 of 1,614,124 alleles (0.000062%); highest among the groups gnomAD compares: Admixed American, 0.0017%; no homozygotes.

Submission:

CeGaT Center for Human Genetics Tuebingen
Classification: Likely benign. Last evaluated: 2026-07-01. Review status: criteria provided, single submitter. Criteria: CeGaT Center For Human Genetics Tuebingen Variant Classification Criteria Version 2. Collection method: clinical testing. Allele origin: germline. Affected: yes. Observed: 1 variant allele.
Comment: RELA: BP4, BP7

NM_021975.4(RELA):c.891G>C (p.Arg297=)

Gene: RELA (RELA proto-oncogene, NF-kB subunit; minus strand). Cytogenetic location: 11q13.1.
Variant type: single nucleotide variant.
Coding change: c.891G>C on transcript NM_021975.4 (MANE Select); coding-DNA position 891, G replaced by C.
Protein change: p.Arg297=; no amino-acid change (arginine 297 retained).
Molecular consequence: synonymous variant.
Genome position (GRCh38, 1-based): chr11:65,655,922, C>G on the plus strand (G>C on the coding strand, the complement: RELA is on the minus strand). VCF-style: chr11-65655922-C-G. GRCh37 (hg19) VCF-style: chr11-65423393-C-G.
Other names: c.882G>C, p.Arg294= (NM_001145138.2); c.891G>C, p.Arg297= (NM_001243984.2, NM_001243985.2); c.924G>C, p.Arg308= (NM_001404657.1); c.864G>C, p.Arg288= (NM_001404658.1); c.678G>C, p.Arg226= (NM_001404659.1); c.573G>C, p.Arg191= (NM_001404660.1); c.510G>C, p.Arg170= (NM_001404661.1); c.798G>C, p.Arg266= (NM_001404662.1, NM_001404663.1).
Identifiers: ClinVar variation 5038935 (VCV005038935.1).